The following is an entry in ClinVar:

ClinVar aggregate classification (germline): Likely benign (1 of 4 stars; one submission).

Allele frequency attached by ClinVar (database versions not stated): TOPMed 0.00031; gnomAD exomes 0.00041; 1000 Genomes Project 0.00140; 1000 Genomes Project 30x 0.00172; ExAC 0.00173; gnomAD 0.00218.
gnomAD v4.1: 826 of 1,286,758 alleles (0.064%); highest among the groups gnomAD compares: Middle Eastern, 0.13%; 7 homozygotes.

Submission:

CeGaT Center for Human Genetics Tuebingen
Classification: Likely benign. Last evaluated: 2022-07-01. Review status: criteria provided, single submitter. Criteria: CeGaT Center For Human Genetics Tuebingen Variant Classification Criteria Version 2. Collection method: clinical testing. Allele origin: germline. Affected: yes. Observed: 1 variant allele.
Comment: HMCN2: BP4, BP7

NM_001291815.2(HMCN2):c.11136C>T (p.Gly3712=)

Gene: HMCN2 (hemicentin 2; plus strand). Cytogenetic location: 9q34.11.
Variant type: single nucleotide variant.
Coding change: c.11136C>T on transcript NM_001291815.2 (MANE Select); coding-DNA position 11136, C replaced by T.
Protein change: p.Gly3712=; no amino-acid change (glycine 3712 retained).
Molecular consequence: synonymous variant.
Genome position (GRCh38, 1-based): chr9:130,396,251, C>T. VCF-style: chr9-130396251-C-T. GRCh37 (hg19) VCF-style: chr9-133271638-C-T.
Identifiers: ClinVar variation 2659598 (VCV002659598.24), dbSNP rs543084802, ClinGen allele CA5282517.